The following is an entry in ClinVar:

ClinVar aggregate classification (germline): Likely benign. Review status: criteria provided, multiple submitters, no conflicts (2 of 4 stars). 5 submissions from 5 submitters: Likely benign (4). 1 of the submissions does not count toward it. Last evaluated 2025-10-01.

Conditions:
RYR3-related disorder. Also called: RYR3-related condition.
Epileptic encephalopathy. Identifiers: MedGen C0543888, HP:0200134.

Allele frequency attached by ClinVar (database versions not stated): gnomAD exomes 0.00211; gnomAD 0.00222 and 0.00237; ESP Exome Variant Server 0.00359; 1000 Genomes Project 0.00040; 1000 Genomes Project 30x 0.00047; TOPMed 0.00187; ExAC 0.00201.
gnomAD v4.1: 5,800 of 1,613,558 alleles (0.36%); highest among the groups gnomAD compares: Non-Finnish European, 0.46%; 15 homozygotes.

Submissions (5):

CeGaT Center for Human Genetics Tuebingen
Classification: Likely benign. Last evaluated: 2025-10-01. Review status: criteria provided, single submitter. Criteria: CeGaT Center For Human Genetics Tuebingen Variant Classification Criteria Version 2. Collection method: clinical testing. Allele origin: germline. Affected: yes. Observed: 5 variant alleles.
Comment: RYR3: BS2

Labcorp Genetics (formerly Invitae), Labcorp
Classification: Likely benign for Epileptic encephalopathy. Last evaluated: 2025-10-01. Review status: criteria provided, single submitter. Criteria: Invitae Variant Classification Sherloc (09022015). Collection method: clinical testing. Allele origin: germline.

Blueprint Genetics
Classification: Likely benign. Last evaluated: 2024-11-25. Review status: criteria provided, single submitter. Criteria: ACMG Guidelines, 2015. Collection method: clinical testing. Allele origin: germline.

Breakthrough Genomics
Classification: Likely benign. Review status: criteria provided, single submitter. Criteria: ACMG Guidelines, 2015. Collection method: not provided. Allele origin: germline. Inheritance: Unknown mechanism. Affected: yes.

PreventionGenetics, part of Exact Sciences
Classification: Likely benign for RYR3-related condition. Last evaluated: 2022-04-28. Review status: no assertion criteria provided. Collection method: clinical testing. Allele origin: germline. Not counted in ClinVar's aggregate classification.
Comment: This variant is classified as likely benign based on ACMG/AMP sequence variant interpretation guidelines (Richards et al. 2015 PMID: 25741868, with internal and published modifications).

NM_001036.6(RYR3):c.7812C>G (p.Asn2604Lys)

Gene: RYR3 (ryanodine receptor 3; plus strand). Cytogenetic location: 15q14.
Variant type: single nucleotide variant.
Coding change: c.7812C>G on transcript NM_001036.6 (MANE Select); coding-DNA position 7812, C replaced by G.
Protein change: p.Asn2604Lys; replaces asparagine 2604 with lysine.
Molecular consequence: missense variant.
Genome position (GRCh38, 1-based): chr15:33,739,987, C>G. VCF-style: chr15-33739987-C-G. GRCh37 (hg19) VCF-style: chr15-34032188-C-G.
Other names: c.7812C>G, p.Asn2604Lys (NM_001243996.4); short protein forms N2604K.
Identifiers: ClinVar variation 461957 (VCV000461957.43), dbSNP rs41279214, ClinGen allele CA7459988.
Genomic context (GRCh38, chr15:33,739,987, plus strand): 5'-CACGTTGGAGAAACAGATCTCAGTGGATGCGGATGGCAACTTTGACCCAAAACCTATTAA[C>G]ACCATGAAGTGAGTCCAGAATCATCTCTGAGCTGGTGCTGTATTTTGTCCAATAGCCAAT-3'
Protein context (NP_001027.3, residues 2594-2614): ADGNFDPKPI[Asn2604Lys]TMNFSLPEKL